The following is an entry in ClinVar:

NM_000243.3(MEFV):c.1056C>T (p.Cys352=)

Gene: MEFV (MEFV innate immunity regulator, pyrin; minus strand). Cytogenetic location: 16p13.3.
Variant type: single nucleotide variant.
Coding change: c.1056C>T on transcript NM_000243.3 (MANE Select); coding-DNA position 1056, C replaced by T.
Protein change: p.Cys352=; no amino-acid change (cysteine 352 retained).
Molecular consequence: synonymous variant.
Genome position (GRCh38, 1-based): chr16:3,249,635, G>A on the plus strand (C>T on the coding strand, the complement: MEFV is on the minus strand). VCF-style: chr16-3249635-G-A. GRCh37 (hg19) VCF-style: chr16-3299635-G-A.
Other names: c.423C>T, p.Cys141= (NM_001198536.2).
Identifiers: ClinVar variation 97429 (VCV000097429.10), dbSNP rs104895164, ClinGen allele CA280364.

ClinVar aggregate classification (germline): Conflicting classifications of pathogenicity. Review status: criteria provided, conflicting classifications (1 of 4 stars). 3 submissions from 3 submitters: Uncertain significance (1); Likely benign (1). 1 of the submissions does not count toward it. Last evaluated 2025-02-25.

Conditions:
Familial Mediterranean fever (FMF). Also called: POLYSEROSITIS, FAMILIAL PAROXYSMAL; POLYSEROSITIS, RECURRENT; Periodic peritonitis; Benign paroxysmal peritonitis. Identifiers: Orphanet 342, MedGen C0031069, MONDO:0018088, OMIM 249100. Disease mechanism: gain of function.

Allele frequency attached by ClinVar (database versions not stated): gnomAD 0.00001; TOPMed 0.00001.
gnomAD v4.1: 18 of 1,613,782 alleles (0.0011%); highest among the groups gnomAD compares: Admixed American, 0.01%; no homozygotes.

Submissions (3):

Labcorp Genetics (formerly Invitae), Labcorp
Classification: Likely benign for Familial Mediterranean fever. Last evaluated: 2025-02-25. Review status: criteria provided, single submitter. Criteria: Invitae Variant Classification Sherloc (09022015). Collection method: clinical testing. Allele origin: germline.

Laboratorio de Genetica e Diagnostico Molecular, Hospital Israelita Albert Einstein
Classification: Uncertain significance. Last evaluated: 2022-03-30. Review status: criteria provided, single submitter. Criteria: ACMG Guidelines, 2015. Collection method: clinical testing. Allele origin: germline. Affected: yes.
Comment: ACMG classification criteria: PM2

Unité médicale des maladies autoinflammatoires, CHRU Montpellier
No classification provided. Condition: Familial Mediterranean fever. Review status: no classification provided. Collection method: not provided. Allele origin: unknown. Not counted in ClinVar's aggregate classification.